The following is an entry in ClinVar:

NM_001374828.1(ARID1B):c.300G>C (p.Lys100Asn)

Genes: ARID1B (AT-rich interaction domain 1B; plus strand), LOC115308161 (uncharacterized LOC115308161; minus strand), LOC129997523 (ATAC-STARR-seq lymphoblastoid silent region 17710; plus strand). Cytogenetic location: 6q25.3.
Variant type: single nucleotide variant.
Coding change: c.300G>C on transcript NM_001374828.1 (MANE Select); coding-DNA position 300, G replaced by C.
Protein change: p.Lys100Asn; replaces lysine 100 with asparagine.
Molecular consequence: missense variant.
Genome position (GRCh38, 1-based): chr6:156,777,980, G>C. VCF-style: chr6-156777980-G-C. GRCh37 (hg19) VCF-style: chr6-157099114-G-C.
Other names: c.51G>C (NM_020732.3); c.300G>C, p.Lys100Asn (NM_001371656.1, NM_001374820.1, NM_017519.3); short protein forms K100N.
Identifiers: ClinVar variation 1327855 (VCV001327855.2), dbSNP rs1338360290, ClinGen allele CA366381033.
Genomic context (GRCh38, chr6:156,777,980, plus strand): 5'-CGAACTCAACATGGCCCATAACGCGGGCGCCGCGGCCGCCGCCGGCACCCACAGCGCCAA[G>C]AGCGGCGGCTCCGAGGCGGCTCTCAAGGAGGGTGGAAGCGCCGCCGCGCTGTCCTCCTCC-3'
Protein context (NP_001361757.1, residues 90-110): AAAAAGTHSA[Lys100Asn]SGGSEAALKE

ClinVar aggregate classification (germline): Likely benign (1 of 4 stars; one submission).

gnomAD v4.1: 2 of 1,531,290 alleles (0.00013%); highest among the groups gnomAD compares: Non-Finnish European, 0.00017%; no homozygotes.

Submission:

GeneDx
Classification: Likely benign. Last evaluated: 2021-12-08. Review status: criteria provided, single submitter. Criteria: GeneDx Variant Classification Process June 2021. Collection method: clinical testing. Allele origin: germline. Affected: yes.
Comment: Not observed at significant frequency in large population cohorts (Lek et al., 2016); In silico analysis supports that this missense variant does not alter protein structure/function; Has not been previously published as pathogenic or benign to our knowledge